The following is an entry in ClinVar:

NM_004304.5(ALK):c.1175G>A (p.Arg392Lys)

Gene: ALK (ALK receptor tyrosine kinase; minus strand). Cytogenetic location: 2p23.2.
Variant type: single nucleotide variant.
Coding change: c.1175G>A on transcript NM_004304.5 (MANE Select); coding-DNA position 1175, G replaced by A.
Protein change: p.Arg392Lys; replaces arginine 392 with lysine.
Molecular consequence: missense variant.
Genome position (GRCh38, 1-based): chr2:29,383,839, C>T on the plus strand (G>A on the coding strand, the complement: ALK is on the minus strand). VCF-style: chr2-29383839-C-T. GRCh37 (hg19) VCF-style: chr2-29606705-C-T.
Other names: c.1175G>A (NM_004304.4); short protein forms R392K.
Identifiers: ClinVar variation 1373815 (VCV001373815.7), dbSNP rs2148301750, ClinGen allele CA346585466.

ClinVar aggregate classification (germline): Uncertain significance. Review status: criteria provided, multiple submitters, no conflicts (2 of 4 stars). 2 submissions from 2 submitters: Uncertain significance (2). Last evaluated 2026-05-01.

Conditions:
Hereditary cancer-predisposing syndrome. Also called: Neoplastic Syndromes, Hereditary; Tumor predisposition; Hereditary Cancer Syndrome; Hereditary neoplastic syndrome. Identifiers: Orphanet 140162, MedGen C0027672, MeSH D009386, MONDO:0015356.
Neuroblastoma, susceptibility to, 3. Also called: ALK-Related Neuroblastic Tumor Susceptibility. Identifiers: Orphanet 635, MedGen C2751681, MONDO:0013083, OMIM 613014.

Submissions (2):

Ambry Genetics
Classification: Uncertain significance for Hereditary cancer-predisposing syndrome. Last evaluated: 2026-05-01. Review status: criteria provided, single submitter. Criteria: Ambry Variant Classification Scheme 2023. Collection method: clinical testing. Allele origin: germline.
Comment: The p.R392K variant (also known as c.1175G>A), located in coding exon 5 of the ALK gene, results from a G to A substitution at nucleotide position 1175. The arginine at codon 392 is replaced by lysine, an amino acid with highly similar properties. This amino acid position is conserved. In addition, this alteration is predicted to be tolerated by in silico analysis. Based on the available evidence, the clinical significance of this variant remains unclear.

Labcorp Genetics (formerly Invitae), Labcorp
Classification: Uncertain significance for Neuroblastoma, susceptibility to, 3. Last evaluated: 2025-01-22. Review status: criteria provided, single submitter. Criteria: Invitae Variant Classification Sherloc (09022015). Collection method: clinical testing. Allele origin: germline.
Comment: This sequence change replaces arginine, which is basic and polar, with lysine, which is basic and polar, at codon 392 of the ALK protein (p.Arg392Lys). This variant is not present in population databases (gnomAD no frequency). This variant has not been reported in the literature in individuals affected with ALK-related conditions. ClinVar contains an entry for this variant (Variation ID: 1373815). An algorithm developed to predict the effect of missense changes on protein structure and function (PolyPhen-2) suggests that this variant is likely to be disruptive. In summary, the available evidence is currently insufficient to determine the role of this variant in disease. Therefore, it has been classified as a Variant of Uncertain Significance.